The following is an entry in ClinVar:

ClinVar aggregate classification (germline): Uncertain significance (1 of 4 stars; one submission).

Conditions:
RASopathy. Also called: rasopathies; Noonan spectrum disorder. Identifiers: Orphanet 536391, MedGen C5555857, MONDO:0021060.

Submission:

Labcorp Genetics (formerly Invitae), Labcorp
Classification: Uncertain significance for RASopathy. Last evaluated: 2018-06-20. Review status: criteria provided, single submitter. Criteria: Invitae Variant Classification Sherloc (09022015). Collection method: clinical testing. Allele origin: germline.
Comment: In summary, the available evidence is currently insufficient to determine the role of this variant in disease. Therefore, it has been classified as a Variant of Uncertain Significance. Algorithms developed to predict the effect of missense changes on protein structure and function (SIFT, PolyPhen-2, Align-GVGD) all suggest that this variant is likely to be tolerated, but these predictions have not been confirmed by published functional studies and their clinical significance is uncertain. This variant has not been reported in the literature in individuals with SHOC2-related disease. This variant is not present in population databases (ExAC no frequency). This sequence change replaces glutamine with lysine at codon 61 of the SHOC2 protein (p.Gln61Lys). The glutamine residue is moderately conserved and there is a small physicochemical difference between glutamine and lysine.

NM_007373.4(SHOC2):c.181C>A (p.Gln61Lys)

Gene: SHOC2 (SHOC2 leucine rich repeat scaffold protein; plus strand). Cytogenetic location: 10q25.2.
Variant type: single nucleotide variant.
Coding change: c.181C>A on transcript NM_007373.4 (MANE Select); coding-DNA position 181, C replaced by A.
Protein change: p.Gln61Lys; replaces glutamine 61 with lysine.
Molecular consequence: missense variant.
Genome position (GRCh38, 1-based): chr10:110,964,539, C>A. VCF-style: chr10-110964539-C-A. GRCh37 (hg19) VCF-style: chr10-112724297-C-A.
Other names: c.181C>A, p.Gln61Lys (NM_001269039.3, NM_001324336.2, NM_001324337.2); short protein forms Q61K.
Identifiers: ClinVar variation 579289 (VCV000579289.8), dbSNP rs1564714635, ClinGen allele CA378382143.